The following is an entry in ClinVar:

NM_130384.3(ATRIP):c.37A>T (p.Ser13Cys)

Genes: ATRIP (ATR interacting protein; plus strand), ATRIP-TREX1 (ATRIP-TREX1 readthrough; plus strand), LOC129936703 (ATAC-STARR-seq lymphoblastoid silent region 14331; plus strand). Cytogenetic location: 3p21.31.
Variant type: single nucleotide variant.
Coding change: c.37A>T on transcript NM_130384.3 (MANE Select); coding-DNA position 37, A replaced by T.
Protein change: p.Ser13Cys; replaces serine 13 with cysteine.
Molecular consequence: missense variant. On other transcripts: non-coding transcript variant (1), intron variant (1).
Genome position (GRCh38, 1-based): chr3:48,446,882, A>T. VCF-style: chr3-48446882-A-T. GRCh37 (hg19) VCF-style: chr3-48488286-A-T.
Other names: c.37A>T, p.Ser13Cys (NM_032166.4); c.-218+83A>T (NM_001271022.2); short protein forms S13C.
Identifiers: ClinVar variation 4844938 (VCV004844938.1).

ClinVar aggregate classification (germline): Uncertain significance (1 of 4 stars; one submission).

gnomAD v4.1: 1 of 1,401,734 alleles (0.000071%); highest among the groups gnomAD compares: Non-Finnish European, 0.000093%; no homozygotes.

Submission:

Ambry Genetics
Classification: Uncertain significance. Last evaluated: 2026-02-13. Review status: criteria provided, single submitter. Criteria: Ambry Variant Classification Scheme 2023. Collection method: clinical testing. Allele origin: germline.
Comment: The p.S13C variant (also known as c.37A>T), located in coding exon 1 of the ATRIP gene, results from an A to T substitution at nucleotide position 37. The serine at codon 13 is replaced by cysteine, an amino acid with dissimilar properties. This amino acid position is well conserved in available vertebrate species. In addition, this alteration is predicted to be tolerated by in silico analysis. The evidence for this gene-disease relationship is limited; therefore, the clinical significance of this variant is unclear.